The following is an entry in ClinVar:

ClinVar aggregate classification (germline): not provided (0 of 4 stars; one submission).

Allele frequency attached by ClinVar (database versions not stated): 1000 Genomes Project 0.00080; gnomAD 0.00016; TOPMed 0.00045; 1000 Genomes Project 30x 0.00062.

Submission:

Human Evolutionary Genetics, Institut Pasteur
No classification provided. Review status: no classification provided. Collection method: not provided. Allele origin: germline.
ClinVar note: Converted during submission from untested to not provided.

NM_145007.5(NLRP11):c.-284-50A>G

Gene: NLRP11 (NLR family pyrin domain containing 11; minus strand). Cytogenetic location: 19q13.43.
Variant type: single nucleotide variant.
Coding change: c.-284-50A>G on transcript NM_145007.5; 50 bases into the intron before 284 bases upstream of the start codon, A replaced by G.
Molecular consequence: intron variant.
Genome position (GRCh38, 1-based): chr19:55,832,965, T>C on the plus strand (A>G on the coding strand, the complement: NLRP11 is on the minus strand). VCF-style: chr19-55832965-T-C. GRCh37 (hg19) VCF-style: chr19-56344331-T-C.
Other names: c.-248-50A>G (NM_001297743.3); c.-284-50A>G (NM_001385451.2, NM_001385453.2).
Identifiers: ClinVar variation 103266 (VCV000103266.4), dbSNP rs199475857, ClinGen allele CA230341.
Genomic context (GRCh38, chr19:55,832,965, plus strand): 5'-AGAAAACGGATCTGAAAGAAAGAGGCGAAATTATCATATTGGAGATAATTTGAATATCCA[T>C]GCAAACTCTCTCCCCTTAAATCTATTGATAAATTGTTAGGATTCAAAGCAGCTTTGGTGA-3'